The following is an entry in ClinVar:

ClinVar aggregate classification (germline): Uncertain significance (1 of 4 stars; one submission).

Conditions:
Neurofibromatosis, type 1 (NF1). Also called: Peripheral type neurofibromatosis; Neurofibromatosis, type I; VON RECKLINGHAUSEN DISEASE; NEUROFIBROMATOSIS, TYPE I, SOMATIC. Identifiers: Orphanet 636, MedGen C0027831, MONDO:0018975, OMIM 162200. Disease mechanism: loss of function.

Submission:

Labcorp Genetics (formerly Invitae), Labcorp
Classification: Uncertain significance for Neurofibromatosis, type 1. Last evaluated: 2020-08-06. Review status: criteria provided, single submitter. Criteria: Invitae Variant Classification Sherloc (09022015). Collection method: clinical testing. Allele origin: germline.
Comment: This sequence change replaces aspartic acid with tyrosine at codon 1407 of the NF1 protein (p.Asp1407Tyr). The aspartic acid residue is moderately conserved and there is a large physicochemical difference between aspartic acid and tyrosine. In summary, the available evidence is currently insufficient to determine the role of this variant in disease. Therefore, it has been classified as a Variant of Uncertain Significance. Advanced modeling of protein sequence and biophysical properties (such as structural, functional, and spatial information, amino acid conservation, physicochemical variation, residue mobility, and thermodynamic stability) performed at Invitae indicates that this missense variant is expected to disrupt NF1 protein function. This variant has not been reported in the literature in individuals with NF1-related conditions. This variant is not present in population databases (ExAC no frequency).

NM_001042492.3(NF1):c.4282G>T (p.Asp1428Tyr)

Gene: NF1 (neurofibromin 1; plus strand). Cytogenetic location: 17q11.2.
Variant type: single nucleotide variant.
Coding change: c.4282G>T on transcript NM_001042492.3 (MANE Select); coding-DNA position 4282, G replaced by T.
Protein change: p.Asp1428Tyr; replaces aspartic acid 1428 with tyrosine.
Molecular consequence: missense variant.
Genome position (GRCh38, 1-based): chr17:31,258,452, G>T. VCF-style: chr17-31258452-G-T. GRCh37 (hg19) VCF-style: chr17-29585470-G-T.
Other names: c.4219G>T, p.Asp1407Tyr (NM_000267.4); short protein forms D1407Y, D1428Y.
Identifiers: ClinVar variation 1051858 (VCV001051858.5), dbSNP rs2151462089, ClinGen allele CA398998005.